The following is an entry in ClinVar:

ClinVar aggregate classification (germline): Uncertain significance. Review status: criteria provided, multiple submitters, no conflicts (2 of 4 stars). 2 submissions from 2 submitters: Uncertain significance (2). Last evaluated 2025-02-22.

Conditions:
Multiple endocrine neoplasia, type 2 (MEN2). Identifiers: Orphanet 653, MedGen C4048306, MONDO:0019003. Disease mechanism: gain of function.
Hereditary cancer-predisposing syndrome. Also called: Tumor predisposition; Hereditary neoplastic syndrome; Hereditary Cancer Syndrome; Neoplastic Syndromes, Hereditary. Identifiers: Orphanet 140162, MedGen C0027672, MeSH D009386, MONDO:0015356.

Submissions (2):

Ambry Genetics
Classification: Uncertain significance for Hereditary cancer-predisposing syndrome. Last evaluated: 2025-02-22. Review status: criteria provided, single submitter. Criteria: Ambry Variant Classification Scheme 2023. Collection method: clinical testing. Allele origin: germline.
Comment: The p.G10V variant (also known as c.29G>T), located in coding exon 1 of the RET gene, results from a G to T substitution at nucleotide position 29. The glycine at codon 10 is replaced by valine, an amino acid with dissimilar properties. This amino acid position is conserved. In addition, the in silico prediction for this alteration is inconclusive. Based on the available evidence, the clinical significance of this variant remains unclear.

Labcorp Genetics (formerly Invitae), Labcorp
Classification: Uncertain significance for Multiple endocrine neoplasia, type 2. Last evaluated: 2024-02-20. Review status: criteria provided, single submitter. Criteria: Invitae Variant Classification Sherloc (09022015). Collection method: clinical testing. Allele origin: germline.
Comment: This sequence change replaces glycine, which is neutral and non-polar, with valine, which is neutral and non-polar, at codon 10 of the RET protein (p.Gly10Val). This variant is not present in population databases (gnomAD no frequency). This variant has not been reported in the literature in individuals affected with RET-related conditions. ClinVar contains an entry for this variant (Variation ID: 936337). An algorithm developed to predict the effect of missense changes on protein structure and function (PolyPhen-2) suggests that this variant is likely to be tolerated. In summary, the available evidence is currently insufficient to determine the role of this variant in disease. Therefore, it has been classified as a Variant of Uncertain Significance.

NM_020975.6(RET):c.29G>T (p.Gly10Val)

Genes: RET (ret proto-oncogene; plus strand), LOC106736614 (RET 5' regulatory region; plus strand). Cytogenetic location: 10q11.21.
Variant type: single nucleotide variant.
Coding change: c.29G>T on transcript NM_020975.6 (MANE Select); coding-DNA position 29, G replaced by T.
Protein change: p.Gly10Val; replaces glycine 10 with valine.
Molecular consequence: missense variant.
Genome position (GRCh38, 1-based): chr10:43,077,287, G>T. VCF-style: chr10-43077287-G-T. GRCh37 (hg19) VCF-style: chr10-43572735-G-T.
Other names: c.29G>T, p.Gly10Val (NM_000323.2, NM_001406743.1, NM_001406744.1 and 38 more transcripts); short protein forms G10V.
Identifiers: ClinVar variation 936337 (VCV000936337.11), dbSNP rs1303812507, ClinGen allele CA376768052.